The following is an entry in ClinVar:

NM_198098.4(AQP1):c.775G>A (p.Asp259Asn)

Gene: AQP1 (aquaporin 1 (Colton blood group); plus strand). Cytogenetic location: 7p14.3.
Variant type: single nucleotide variant.
Coding change: c.775G>A on transcript NM_198098.4 (MANE Select); coding-DNA position 775, G replaced by A.
Protein change: p.Asp259Asn; replaces aspartic acid 259 with asparagine.
Molecular consequence: missense variant.
Genome position (GRCh38, 1-based): chr7:30,923,594, G>A. VCF-style: chr7-30923594-G-A. GRCh37 (hg19) VCF-style: chr7-30963209-G-A.
Other names: c.775G>A, p.Asp259Asn (NM_001329872.2); short protein forms D259N.
Identifiers: ClinVar variation 3887152 (VCV003887152.2).
Genomic context (GRCh38, chr7:30,923,594, plus strand): 5'-ACAGACCGCGTGAAGGTGTGGACCAGCGGCCAGGTGGAGGAGTATGACCTGGATGCCGAC[G>A]ACATCAACTCCAGGGTGGAGATGAAGCCCAAATAGAAGGGGTCTGGCCCGGGCATCCACG-3'
Protein context (NP_932766.1, residues 249-269): QVEEYDLDAD[Asp259Asn]INSRVEMKPK

ClinVar aggregate classification (germline): Uncertain significance. Review status: criteria provided, multiple submitters, no conflicts (2 of 4 stars). 2 submissions from 2 submitters: Uncertain significance (2). Last evaluated 2025-06-10.

gnomAD v4.1: 139 of 1,589,736 alleles (0.0087%); highest among the groups gnomAD compares: Non-Finnish European, 0.011%; no homozygotes.

Submissions (2):

Labcorp Genetics (formerly Invitae), Labcorp
Classification: Uncertain significance. Last evaluated: 2025-06-10. Review status: criteria provided, single submitter. Criteria: Invitae Variant Classification Sherloc (09022015). Collection method: clinical testing. Allele origin: germline.
Comment: This sequence change replaces aspartic acid, which is acidic and polar, with asparagine, which is neutral and polar, at codon 259 of the AQP1 protein (p.Asp259Asn). This variant is present in population databases (rs761409742, gnomAD 0.01%). This variant has not been reported in the literature in individuals affected with AQP1-related conditions. ClinVar contains an entry for this variant (Variation ID: 3887152). An algorithm developed to predict the effect of missense changes on protein structure and function (PolyPhen-2) suggests that this variant is likely to be tolerated. In summary, the available evidence is currently insufficient to determine the role of this variant in disease. Therefore, it has been classified as a Variant of Uncertain Significance.

Ambry Genetics
Classification: Uncertain significance. Last evaluated: 2025-02-22. Review status: criteria provided, single submitter. Criteria: Ambry Variant Classification Scheme 2023. Collection method: clinical testing. Allele origin: germline.